The following is an entry in ClinVar:

NM_000038.6(APC):c.1548+2T>C

Gene: APC (APC regulator of Wnt signaling pathway; plus strand). Cytogenetic location: 5q22.2.
Variant type: single nucleotide variant.
Coding change: c.1548+2T>C on transcript NM_000038.6 (MANE Select); the canonical splice donor site of the intron after coding-DNA position 1548, T replaced by C.
Molecular consequence: splice donor variant.
Genome position (GRCh38, 1-based): chr5:112,827,249, T>C. VCF-style: chr5-112827249-T-C. GRCh37 (hg19) VCF-style: chr5-112162946-T-C.
Other names: c.699+2T>C (NM_001407470.1, NM_001354906.2); c.396+2T>C (NM_001407472.1, NM_001407471.1); c.1602+2T>C (NM_001407447.1, NM_001407448.1, NM_001407449.1 and 1 more transcripts); c.1548+2T>C (NM_001354895.2, NM_001407450.1, NM_001127510.3); c.1299+2T>C (NM_001407456.1, NM_001407457.1, NM_001407455.1 and 1 more transcripts); c.1245+2T>C (NM_001407460.1, NM_001407458.1, NM_001407459.1 and 1 more transcripts); c.1518+2T>C (NM_001407452.1); c.1161+2T>C (NM_001407469.1, NM_001407467.1); and 11 more.
Identifiers: ClinVar variation 371836 (VCV000371836.8), dbSNP rs1057517561, ClinGen allele CA16042092.
Genomic context (GRCh38, chr5:112,827,249, plus strand): 5'-TAAGACGATATGCTGGAATGGCTTTGACAAACTTGACTTTTGGAGATGTAGCCAACAAGG[T>C]ATGTTTTTATAACATGTATTTCTTAAGATAGCTCAGGTATGAGTTAATTTACTTTCATAC-3'

ClinVar aggregate classification (germline): Pathogenic/Likely pathogenic. Review status: criteria provided, multiple submitters, no conflicts (2 of 4 stars). 5 submissions from 5 submitters: Pathogenic (3); Likely pathogenic (1). 1 of the submissions does not count toward it. Last evaluated 2026-02-25.

Conditions:
Hereditary cancer-predisposing syndrome. Also called: Neoplastic Syndromes, Hereditary; Tumor predisposition; Hereditary Cancer Syndrome; Hereditary neoplastic syndrome. Identifiers: Orphanet 140162, MedGen C0027672, MeSH D009386, MONDO:0015356.
Familial adenomatous polyposis 1 (FAP1). Also called: FAMILIAL ADENOMATOUS POLYPOSIS 1, ATTENUATED; POLYPOSIS, ADENOMATOUS INTESTINAL. Identifiers: MedGen C2713442, MONDO:0021056, OMIM 175100. Disease mechanism: loss of function.

Submissions (5):

Myriad Genetics, Inc.
Classification: Pathogenic for Familial adenomatous polyposis 1. Last evaluated: 2026-02-25. Review status: criteria provided, single submitter. Criteria: Myriad Autosomal Dominant, Autosomal Recessive and X-Linked Classification Criteria (2023). Collection method: clinical testing. Allele origin: unknown.
Comment: This variant is considered pathogenic. This variant occurs within a consensus splice junction and is predicted to result in abnormal mRNA splicing of either an out-of-frame exon or an in-frame exon necessary for protein stability and/or normal function. This variant has shown to segregate with cancer in one or more families [PMID: 11933206].

Labcorp Genetics (formerly Invitae), Labcorp
Classification: Pathogenic for Familial adenomatous polyposis 1. Last evaluated: 2025-07-02. Review status: criteria provided, single submitter. Criteria: Invitae Variant Classification Sherloc (09022015). Collection method: clinical testing. Allele origin: germline.
Comment: This sequence change affects a donor splice site in intron 12 of the APC gene. It is expected to disrupt RNA splicing. Variants that disrupt the donor or acceptor splice site typically lead to a loss of protein function (PMID: 16199547), and loss-of-function variants in APC are known to be pathogenic (PMID: 17963004, 20685668). This variant is not present in population databases (gnomAD no frequency). Disruption of this splice site has been observed in individual(s) with familial adenomatous polyposis or colorectal cancer (PMID: 11933206, 20685668, 25604157). It has also been observed to segregate with disease in related individuals. ClinVar contains an entry for this variant (Variation ID: 371836). Algorithms developed to predict the effect of sequence changes on RNA splicing suggest that this variant may disrupt the consensus splice site. For these reasons, this variant has been classified as Pathogenic.

Ambry Genetics
Classification: Pathogenic for Hereditary cancer-predisposing syndrome. Last evaluated: 2021-12-02. Review status: criteria provided, single submitter. Criteria: Ambry Variant Classification Scheme 2023. Collection method: clinical testing. Allele origin: germline.
Comment: The c.1548+2T>C intronic pathogenic mutation results from a T to C substitution two nucleotides after coding exon 11 in the APC gene. This nucleotide position is highly conserved in available vertebrate species. This alteration has been observed in at least one individual with a personal and/or family history that is consistent with APC-related disease (Ambry internal data). RNA studies have demonstrated that this alteration results in abnormal splicing in the set of samples tested (Ambry internal data). In silico splice site analysis predicts that this alteration may weaken the native splice donor site and will result in the creation or strengthening of a novel splice donor site. This variant is considered to be rare based on population cohorts in the Genome Aggregation Database (gnomAD). Alterations that disrupt the canonical splice site are expected to cause aberrant splicing, resulting in an abnormal protein or a transcript that is subject to nonsense-mediated mRNA decay. Based on the supporting evidence, this alteration is interpreted as a disease-causing mutation.

Quest Diagnostics Nichols Institute San Juan Capistrano
Classification: Likely pathogenic. Last evaluated: 2021-01-05. Review status: criteria provided, single submitter. Criteria: Quest Diagnostics criteria. Collection method: clinical testing. Allele origin: unknown.
Comment: This variant is expected to severely impact normal RNA splicing, and consequently, protein structure and/or function. This variant has not been reported in large, multi-ethnic general populations.

Counsyl
Classification: Likely pathogenic for Familial adenomatous polyposis 1. Last evaluated: 2016-04-20. Review status: no assertion criteria provided. Collection method: clinical testing. Allele origin: unknown. Not counted in ClinVar's aggregate classification.

Literature cited by the submitters: PubMed 11933206 (cited by Myriad Genetics, Inc. and Labcorp Genetics (formerly Invitae), Labcorp); PubMed 16199547 (cited by Labcorp Genetics (formerly Invitae), Labcorp); PubMed 17963004 (cited by Labcorp Genetics (formerly Invitae), Labcorp); PubMed 20685668 (cited by Labcorp Genetics (formerly Invitae), Labcorp); PubMed 25604157 (cited by Labcorp Genetics (formerly Invitae), Labcorp).